The following is an entry in ClinVar:

ClinVar aggregate classification (germline): Likely benign (0 of 4 stars; one submission).

Conditions:
ABCC8-related disorder.

Allele frequency attached by ClinVar (database versions not stated): TOPMed below 0.00001; ExAC 0.00002; gnomAD 0.00002; gnomAD exomes 0.00002.

Submission:

PreventionGenetics, part of Exact Sciences
Classification: Likely benign for ABCC8-related condition. Last evaluated: 2023-05-08. Review status: no assertion criteria provided. Collection method: clinical testing. Allele origin: germline.
Comment: This variant is classified as likely benign based on ACMG/AMP sequence variant interpretation guidelines (Richards et al. 2015 PMID: 25741868, with internal and published modifications).

NM_000352.6(ABCC8):c.1468-41G>A

Gene: ABCC8 (ATP binding cassette subfamily C member 8; minus strand). Cytogenetic location: 11p15.1.
Variant type: single nucleotide variant.
Coding change: c.1468-41G>A on transcript NM_000352.6 (MANE Select); 41 bases into the intron before coding-DNA position 1468, G replaced by A.
Molecular consequence: intron variant.
Genome position (GRCh38, 1-based): chr11:17,442,923, C>T on the plus strand (G>A on the coding strand, the complement: ABCC8 is on the minus strand). VCF-style: chr11-17442923-C-T. GRCh37 (hg19) VCF-style: chr11-17464470-C-T.
Other names: c.1465-41G>A (NM_001351297.2, NM_001351296.2); c.1468-41G>A (NM_001351295.2, NM_001287174.3).
Identifiers: ClinVar variation 3045024 (VCV003045024.2), dbSNP rs763927134, ClinGen allele CA5903562.